The following is an entry in ClinVar:

NM_006371.5(CRTAP):c.143A>G (p.Tyr48Cys)

Gene: CRTAP (cartilage associated protein; plus strand). Cytogenetic location: 3p22.3.
Variant type: single nucleotide variant.
Coding change: c.143A>G on transcript NM_006371.5 (MANE Select); coding-DNA position 143, A replaced by G.
Protein change: p.Tyr48Cys; replaces tyrosine 48 with cysteine.
Molecular consequence: missense variant.
Genome position (GRCh38, 1-based): chr3:33,114,220, A>G. VCF-style: chr3-33114220-A-G. GRCh37 (hg19) VCF-style: chr3-33155712-A-G.
Other names: c.143A>G, p.Tyr48Cys (NM_001393363.1, NM_001393364.1, NM_001393365.1); short protein forms Y48C.
Identifiers: ClinVar variation 344804 (VCV000344804.6), dbSNP rs768012717, ClinGen allele CA10618451.

ClinVar aggregate classification (germline): Uncertain significance. Review status: criteria provided, multiple submitters, no conflicts (2 of 4 stars). 2 submissions from 2 submitters: Uncertain significance (2). Last evaluated 2021-08-30.

Conditions:
Osteogenesis imperfecta type 7 (OI7). Also called: OI type 7; OI type VII; OSTEOGENESIS IMPERFECTA, TYPE IIB; Osteogenesis imperfecta type 2B; OI type 2B; Osteogenesis imperfecta, perinatal lethal autosomal recessive. Identifiers: MedGen C1853162, MONDO:0012536, OMIM 610682.

Allele frequency attached by ClinVar (database versions not stated): TOPMed 0.00001; gnomAD 0.00003.
gnomAD v4.1: 9 of 1,592,862 alleles (0.00057%); highest among the groups gnomAD compares: Non-Finnish European, 0.00077%; no homozygotes.

Submissions (2):

Labcorp Genetics (formerly Invitae), Labcorp
Classification: Uncertain significance for Osteogenesis imperfecta type 7. Last evaluated: 2021-08-30. Review status: criteria provided, single submitter. Criteria: Invitae Variant Classification Sherloc (09022015). Collection method: clinical testing. Allele origin: germline.
Comment: This sequence change replaces tyrosine with cysteine at codon 48 of the CRTAP protein (p.Tyr48Cys). The tyrosine residue is highly conserved and there is a large physicochemical difference between tyrosine and cysteine. This variant is not present in population databases (ExAC no frequency). This variant has not been reported in the literature in individuals affected with CRTAP-related conditions. Algorithms developed to predict the effect of missense changes on protein structure and function are either unavailable or do not agree on the potential impact of this missense change (SIFT: "Deleterious"; PolyPhen-2: "Probably Damaging"; Align-GVGD: "Class C0"). In summary, the available evidence is currently insufficient to determine the role of this variant in disease. Therefore, it has been classified as a Variant of Uncertain Significance.

Illumina Laboratory Services, Illumina
Classification: Uncertain significance for Osteogenesis imperfecta type 7. Last evaluated: 2018-01-13. Review status: criteria provided, single submitter. Criteria: ICSL Variant Classification Criteria 13 December 2019. Collection method: clinical testing. Allele origin: germline.